The following is an entry in ClinVar:

ClinVar aggregate classification (germline): Pathogenic (1 of 4 stars; one submission).

Conditions:
Ataxia-telangiectasia syndrome (AT). Also called: AT, COMPLEMENTATION GROUP C; Ataxia telangiectasia (A-T); Ataxia-telangiectasia, complementation group D; Ataxia-telangiectasia, complementation group E; LOUIS-BAR SYNDROME; ATAXIA-TELANGIECTASIA, COMPLEMENTATION GROUP A. Identifiers: Orphanet 100, MedGen C0004135, MONDO:0008840, OMIM 208900.

Submission:

Labcorp Genetics (formerly Invitae), Labcorp
Classification: Pathogenic for Ataxia-telangiectasia syndrome. Last evaluated: 2024-04-05. Review status: criteria provided, single submitter. Criteria: Invitae Variant Classification Sherloc (09022015). Collection method: clinical testing. Allele origin: germline.
Comment: This sequence change creates a premature translational stop signal (p.Leu906Cysfs*3) in the ATM gene. It is expected to result in an absent or disrupted protein product. Loss-of-function variants in ATM are known to be pathogenic (PMID: 23807571, 25614872). This variant is not present in population databases (gnomAD no frequency). This variant has not been reported in the literature in individuals affected with ATM-related conditions. For these reasons, this variant has been classified as Pathogenic.

Literature cited by the submitters: PubMed 23807571; PubMed 25614872.

NM_000051.4(ATM):c.2717del (p.Leu906fs)

Gene: ATM (ATM serine/threonine kinase; plus strand). Cytogenetic location: 11q22.3.
Variant type: Deletion.
Coding change: c.2717del on transcript NM_000051.4 (MANE Select); coding-DNA position 2717, one base deleted (T; older notation c.2717delT).
Protein change: p.Leu906fs; shifts the reading frame from leucine 906.
Molecular consequence: frameshift variant.
Genome position (GRCh38, 1-based): chr11:108,268,488, T deleted; the last of 3 consecutive T bases (chr11:108,268,486-108,268,488); deleting any one gives the same sequence. VCF-style (leftmost placement, unchanged base first): chr11-108268485-GT-G. GRCh37 (hg19) VCF-style: chr11-108139212-GT-G.
Other names: c.2717del, p.Leu906fs (NM_001351834.2); short protein forms L906fs.
Identifiers: ClinVar variation 2717105 (VCV002717105.3), dbSNP rs2497633541, ClinGen allele CA2697558908.
Genomic context (GRCh38, chr11:108,268,485, plus strand): 5'-TAGCTGAAGAATATCTGTCAAAGCAAGATCTACTTTTCTTAGACATGCTCAAGTTCTTGT[GT>G]TTGTGTGTAACTACTGCTCAGACCAATACTGTGTCCTTTAGGGCAGCTGATATTCGGAGG-3'